The following is an entry in ClinVar:

ClinVar aggregate classification (germline): Uncertain significance (1 of 4 stars; one submission).

Conditions:
Leber congenital amaurosis 3 (LCA3). Also called: SPATA7-Related Retinitis Pigmentosa. Identifiers: MedGen C1858677, MONDO:0011415, OMIM 604232.

Allele frequency attached by ClinVar (database versions not stated): gnomAD exomes below 0.00001.
gnomAD v4.1: 2 of 1,614,090 alleles (0.00012%); highest among the groups gnomAD compares: Admixed American, 0.0033%; no homozygotes.

Submission:

Labcorp Genetics (formerly Invitae), Labcorp
Classification: Uncertain significance for Leber congenital amaurosis 3. Last evaluated: 2023-10-03. Review status: criteria provided, single submitter. Criteria: Invitae Variant Classification Sherloc (09022015). Collection method: clinical testing. Allele origin: germline.
Comment: This sequence change replaces aspartic acid, which is acidic and polar, with glycine, which is neutral and non-polar, at codon 533 of the SPATA7 protein (p.Asp533Gly). This variant is not present in population databases (gnomAD no frequency). This variant has not been reported in the literature in individuals affected with SPATA7-related conditions. ClinVar contains an entry for this variant (Variation ID: 1489141). Advanced modeling of protein sequence and biophysical properties (such as structural, functional, and spatial information, amino acid conservation, physicochemical variation, residue mobility, and thermodynamic stability) performed at Invitae indicates that this missense variant is not expected to disrupt SPATA7 protein function. In summary, the available evidence is currently insufficient to determine the role of this variant in disease. Therefore, it has been classified as a Variant of Uncertain Significance.

NM_018418.5(SPATA7):c.1598A>G (p.Asp533Gly)

Gene: SPATA7 (spermatogenesis associated 7; plus strand). Cytogenetic location: 14q31.3.
Variant type: single nucleotide variant.
Coding change: c.1598A>G on transcript NM_018418.5 (MANE Select); coding-DNA position 1598, A replaced by G.
Protein change: p.Asp533Gly; replaces aspartic acid 533 with glycine.
Molecular consequence: missense variant.
Genome position (GRCh38, 1-based): chr14:88,438,220, A>G. VCF-style: chr14-88438220-A-G. GRCh37 (hg19) VCF-style: chr14-88904564-A-G.
Other names: c.1502A>G, p.Asp501Gly (NM_001040428.4); short protein forms D501G, D533G.
Identifiers: ClinVar variation 1489141 (VCV001489141.6), dbSNP rs2140031261, ClinGen allele CA390573211.